The following is an entry in ClinVar:

NM_001042492.3(NF1):c.6963dup (p.Val2322fs)

Gene: NF1 (neurofibromin 1; plus strand). Cytogenetic location: 17q11.2.
Variant type: Duplication.
Coding change: c.6963dup on transcript NM_001042492.3 (MANE Select); coding-DNA position 6963, one base duplicated (T; older notation c.6963dupT).
Protein change: p.Val2322fs; shifts the reading frame from valine 2322.
Molecular consequence: frameshift variant.
Genome position (GRCh38, 1-based): chr17:31,340,546, T duplicated. VCF-style (leftmost placement, unchanged base first): chr17-31340545-C-CT. GRCh37 (hg19) VCF-style: chr17-29667563-C-CT.
Other names: c.6900dupT (NM_000267.3); c.6900dup, p.Val2301Cysfs (NM_000267.4); short protein forms V2301fs, V2322fs.
Identifiers: ClinVar variation 3237906 (VCV003237906.1), dbSNP rs2508770141.
Genomic context (GRCh38, chr17:31,340,545, plus strand): 5'-AAACATATCTTCTTTGCCAGGACTCGCCTCTGCACAAAGCCCTCTTTTGGGTAGCTGTGG[C>CT]TGTGCTGCAGCTTGATGAGGTCAACTTGTATTCAGCAGGTACCGCACTTCTTGAACAAAA-3'

ClinVar aggregate classification (germline): Pathogenic (1 of 4 stars; one submission).

Conditions:
Hereditary cancer-predisposing syndrome. Also called: Neoplastic Syndromes, Hereditary; Tumor predisposition; Hereditary neoplastic syndrome; Hereditary Cancer Syndrome. Identifiers: Orphanet 140162, MedGen C0027672, MeSH D009386, MONDO:0015356.
Cardiovascular phenotype. Identifiers: MedGen CN230736.

Submission:

Ambry Genetics
Classification: Pathogenic for Cardiovascular phenotype; Hereditary cancer-predisposing syndrome. Last evaluated: 2023-07-17. Review status: criteria provided, single submitter. Criteria: Ambry Variant Classification Scheme 2023. Collection method: clinical testing. Allele origin: germline.
Comment: The c.6900dupT pathogenic mutation, located in coding exon 46 of the NF1 gene, results from a duplication of T at nucleotide position 6900, causing a translational frameshift with a predicted alternate stop codon (p.V2301Cfs*5). This variant is considered to be rare based on population cohorts in the Genome Aggregation Database (gnomAD). This alteration is expected to result in loss of function by premature protein truncation or nonsense-mediated mRNA decay. As such, this alteration is interpreted as a disease-causing mutation.